The following is an entry in ClinVar:

ClinVar aggregate classification (germline): Uncertain significance (1 of 4 stars; one submission).

Allele frequency attached by ClinVar (database versions not stated): ExAC 0.00001; gnomAD 0.00001.
gnomAD v4.1: 6 of 1,611,668 alleles (0.00037%); highest among the groups gnomAD compares: African/African-American, 0.0013%; no homozygotes.

Submission:

Labcorp Genetics (formerly Invitae), Labcorp
Classification: Uncertain significance. Last evaluated: 2025-02-10. Review status: criteria provided, single submitter. Criteria: Invitae Variant Classification Sherloc (09022015). Collection method: clinical testing. Allele origin: germline.
Comment: This sequence change replaces alanine, which is neutral and non-polar, with valine, which is neutral and non-polar, at codon 1280 of the PCARE protein (p.Ala1280Val). This variant is present in population databases (rs771588718, gnomAD 0.0009%). This variant has not been reported in the literature in individuals affected with PCARE-related conditions. ClinVar contains an entry for this variant (Variation ID: 1923679). An algorithm developed to predict the effect of missense changes on protein structure and function (PolyPhen-2) suggests that this variant is likely to be tolerated. In summary, the available evidence is currently insufficient to determine the role of this variant in disease. Therefore, it has been classified as a Variant of Uncertain Significance.

NM_001029883.3(PCARE):c.3839C>T (p.Ala1280Val)

Gene: PCARE (photoreceptor cilium actin regulator; minus strand). Cytogenetic location: 2p23.2.
Variant type: single nucleotide variant.
Coding change: c.3839C>T on transcript NM_001029883.3 (MANE Select); coding-DNA position 3839, C replaced by T.
Protein change: p.Ala1280Val; replaces alanine 1280 with valine.
Molecular consequence: missense variant.
Genome position (GRCh38, 1-based): chr2:29,064,897, G>A on the plus strand (C>T on the coding strand, the complement: PCARE is on the minus strand). VCF-style: chr2-29064897-G-A. GRCh37 (hg19) VCF-style: chr2-29287763-G-A.
Other names: short protein forms A1280V.
Identifiers: ClinVar variation 1923679 (VCV001923679.3), dbSNP rs771588718, ClinGen allele CA1591817.
Genomic context (GRCh38, chr2:29,064,897, plus strand): 5'-GACTGCGTGAGTGTGGCCCCCTCGTCAGCCTGTCAGGACACCTCCTCTTGCTGGGGCTGC[G>A]CCTCTGGCTGGGATTTGTCCTGGATGTGGCCGGTCCGAGGCTCCGGTTGCAGCCCGTGGC-3'
Protein context (NP_001025054.1, residues 1270-1288): GHIQDKSQPE[Ala1280Val]QPQQEEVS